The following is an entry in ClinVar:

ClinVar aggregate classification (germline): Uncertain significance (1 of 4 stars; one submission).

Submission:

Women's Health and Genetics/Laboratory Corporation of America, LabCorp
Classification: Uncertain significance. Last evaluated: 2026-01-27. Review status: criteria provided, single submitter. Criteria: LabCorp Variant Classification Summary - May 2015. Collection method: clinical testing. Allele origin: germline.
Comment: Variant summary: MYO7A c.1189G>T (p.Ala397Ser) results in a conservative amino acid change in the encoded protein sequence. Algorithms developed to predict the effect of missense changes on protein structure and function are either unavailable or do not agree on the potential impact of this missense change. The frequency data for this variant in gnomAD is considered unreliable, as metrics indicate poor data quality at this position. To our knowledge, no occurrence of c.1189G>T in individuals affected with MYO7A-related conditions and no experimental evidence demonstrating its impact on protein function have been reported. Different variants affecting the same codon have been internally classified as pathogenic (c.1190C>A/p.Ala397Asp and c.1189G>A/p.Ala397Thr), supporting the critical relevance of codon 397 to MYO7A protein function. No submitters have cited clinical-significance assessments for this variant to ClinVar. Based on the evidence outlined above, the variant was classified as VUS-possibly pathogenic.

NM_000260.4(MYO7A):c.1189G>T (p.Ala397Ser)

Gene: MYO7A (myosin VIIA; plus strand). Cytogenetic location: 11q13.5.
Variant type: single nucleotide variant.
Coding change: c.1189G>T on transcript NM_000260.4 (MANE Select); coding-DNA position 1189, G replaced by T.
Protein change: p.Ala397Ser; replaces alanine 397 with serine.
Molecular consequence: missense variant.
Genome position (GRCh38, 1-based): chr11:77,160,271, G>T. VCF-style: chr11-77160271-G-T. GRCh37 (hg19) VCF-style: chr11-76871317-G-T.
Other names: c.1189G>T, p.Ala397Ser (NM_001127180.2); c.1156G>T, p.Ala386Ser (NM_001369365.1); short protein forms A386S, A397S.
Identifiers: ClinVar variation 4689441 (VCV004689441.1).